The following is an entry in ClinVar:

NM_032492.4(JAGN1):c.295T>A (p.Tyr99Asn)

Gene: JAGN1 (jagunal vesicle mediated transporter 1; plus strand). Cytogenetic location: 3p25.3.
Variant type: single nucleotide variant.
Coding change: c.295T>A on transcript NM_032492.4 (MANE Select); coding-DNA position 295, T replaced by A.
Protein change: p.Tyr99Asn; replaces tyrosine 99 with asparagine.
Molecular consequence: missense variant.
Genome position (GRCh38, 1-based): chr3:9,893,120, T>A. VCF-style: chr3-9893120-T-A. GRCh37 (hg19) VCF-style: chr3-9934804-T-A.
Other names: c.133T>A, p.Tyr45Asn (NM_001363890.1); short protein forms Y45N, Y99N.
Identifiers: ClinVar variation 2788289 (VCV002788289.3), dbSNP rs1470509164, ClinGen allele CA351715574.
Genomic context (GRCh38, chr3:9,893,120, plus strand): 5'-TTGCTGAGCATTTTGCCCTCTCTCTTGGGCCTTCTCTCCTTTCCCCGCAACAACATTAGC[T>A]ACCTGGTGCTCTCCATGATCAGCATGGGACTCTTTTCCATCGCTCCACTCATTTATGGCA-3'
Protein context (NP_115881.3, residues 89-109): LLSFPRNNIS[Tyr99Asn]LVLSMISMGL

ClinVar aggregate classification (germline): Uncertain significance (1 of 4 stars; one submission).

Conditions:
Autosomal recessive severe congenital neutropenia due to JAGN1 deficiency. Also called: Severe congenital neutropenia 6, autosomal recessive. Identifiers: Orphanet 423384, MedGen C4014954, MONDO:0014456, OMIM 616022.

Allele frequency attached by ClinVar (database versions not stated): gnomAD exomes below 0.00001.

Submission:

Labcorp Genetics (formerly Invitae), Labcorp
Classification: Uncertain significance for Autosomal recessive severe congenital neutropenia due to JAGN1 deficiency. Last evaluated: 2024-01-12. Review status: criteria provided, single submitter. Criteria: Invitae Variant Classification Sherloc (09022015). Collection method: clinical testing. Allele origin: germline.
Comment: This sequence change replaces tyrosine, which is neutral and polar, with asparagine, which is neutral and polar, at codon 99 of the JAGN1 protein (p.Tyr99Asn). This variant is not present in population databases (gnomAD no frequency). This variant has not been reported in the literature in individuals affected with JAGN1-related conditions. An algorithm developed to predict the effect of missense changes on protein structure and function (PolyPhen-2) suggests that this variant is likely to be disruptive. In summary, the available evidence is currently insufficient to determine the role of this variant in disease. Therefore, it has been classified as a Variant of Uncertain Significance.